The following is an entry in ClinVar:

NM_000388.4(CASR):c.434C>T (p.Thr145Ile)

Gene: CASR (calcium sensing receptor; plus strand). Cytogenetic location: 3q21.1.
Variant type: single nucleotide variant.
Coding change: c.434C>T on transcript NM_000388.4 (MANE Select); coding-DNA position 434, C replaced by T.
Protein change: p.Thr145Ile; replaces threonine 145 with isoleucine.
Molecular consequence: missense variant.
Genome position (GRCh38, 1-based): chr3:122,257,329, C>T. VCF-style: chr3-122257329-C-T. GRCh37 (hg19) VCF-style: chr3-121976176-C-T.
Other names: c.434C>T, p.Thr145Ile (NM_001178065.2); short protein forms T145I.
Identifiers: ClinVar variation 2925357 (VCV002925357.5), dbSNP rs2473215138, ClinGen allele CA354362891.

ClinVar aggregate classification (germline): Conflicting classifications of pathogenicity. Review status: criteria provided, conflicting classifications (1 of 4 stars). 3 submissions from 3 submitters: Likely pathogenic (1); Uncertain significance (2). Last evaluated 2025-12-18.

Conditions:
CASR-related disorder. Also called: CASR-related condition.
Familial hypocalciuric hypercalcemia (FHH). Also called: Familial benign hypercalcemia. Identifiers: Orphanet 405, MedGen C1809471, MONDO:0018458.
Autosomal dominant hypocalcemia 1 (HYPOC1). Also called: HYPOCALCEMIA, FAMILIAL. Identifiers: MedGen C3715128, MONDO:0011013, OMIM 601198.

Submissions (3):

Women's Health and Genetics/Laboratory Corporation of America, LabCorp
Classification: Uncertain significance. Last evaluated: 2025-12-18. Review status: criteria provided, single submitter. Criteria: LabCorp Variant Classification Summary - May 2015. Collection method: clinical testing. Allele origin: germline.
Comment: Variant summary: CASR c.434C>T (p.Thr145Ile) results in a non-conservative amino acid change in the encoded protein sequence. Algorithms developed to predict the effect of missense changes on protein structure and function are either unavailable or do not agree on the potential impact of this missense change. The variant was absent in 251306 control chromosomes. c.434C>T has been observed in individual(s) affected with Familial Hypocalciuric Hypercalcemia (Vargas-Poussou_2016). Two publication reported experimental evidence and showed that this variant affect Ca2+-induced receptor activity (Geng_2016, Ling_2021). The following publications have been ascertained in the context of this evaluation (PMID: 33603117, 26963950, 27434672). ClinVar contains an entry for this variant (Variation ID: 2925357). Based on the evidence outlined above, the variant was classified as VUS-possibly pathogenic.

Blueprint Genetics
Classification: Likely pathogenic for CASR-related disorders. Last evaluated: 2024-05-10. Review status: criteria provided, single submitter. Criteria: ACMG Guidelines, 2015. Collection method: clinical testing. Allele origin: germline. Affected: yes. Observed: 1 variant allele.

Labcorp Genetics (formerly Invitae), Labcorp
Classification: Uncertain significance for Familial hypocalciuric hypercalcemia; Autosomal dominant hypocalcemia 1. Last evaluated: 2023-02-18. Review status: criteria provided, single submitter. Criteria: Invitae Variant Classification Sherloc (09022015). Collection method: clinical testing. Allele origin: germline.
Comment: In summary, the available evidence is currently insufficient to determine the role of this variant in disease. Therefore, it has been classified as a Variant of Uncertain Significance. Experimental studies have shown that this missense change affects CASR function (PMID: 27434672). An algorithm developed to predict the effect of missense changes on protein structure and function (PolyPhen-2) suggests that this variant is likely to be disruptive. This missense change has been observed in individual(s) with clinical features of hypocalciuric hypercalcemia (PMID: 26963950). This variant is not present in population databases (gnomAD no frequency). This sequence change replaces threonine, which is neutral and polar, with isoleucine, which is neutral and non-polar, at codon 145 of the CASR protein (p.Thr145Ile).

Literature cited by the submitters: PubMed 26963950 (cited by Women's Health and Genetics/Laboratory Corporation of America, LabCorp and Labcorp Genetics (formerly Invitae), Labcorp); PubMed 27434672 (cited by Women's Health and Genetics/Laboratory Corporation of America, LabCorp and Labcorp Genetics (formerly Invitae), Labcorp); PubMed 33603117 (cited by Women's Health and Genetics/Laboratory Corporation of America, LabCorp).